The following is an entry in ClinVar:

NM_003562.5(SLC25A11):c.472C>G (p.Arg158Gly)

Gene: SLC25A11 (solute carrier family 25 member 11; minus strand). Cytogenetic location: 17p13.2.
Variant type: single nucleotide variant.
Coding change: c.472C>G on transcript NM_003562.5 (MANE Select); coding-DNA position 472, C replaced by G.
Protein change: p.Arg158Gly; replaces arginine 158 with glycine.
Molecular consequence: missense variant.
Genome position (GRCh38, 1-based): chr17:4,938,586, G>C on the plus strand (C>G on the coding strand, the complement: SLC25A11 is on the minus strand). VCF-style: chr17-4938586-G-C. GRCh37 (hg19) VCF-style: chr17-4841881-G-C.
Other names: c.439C>G, p.Arg147Gly (NM_001165417.2); c.319C>G, p.Arg107Gly (NM_001165418.2); short protein forms R107G, R158G, R147G.
Identifiers: ClinVar variation 2328306 (VCV002328306.4), dbSNP rs371448058, ClinGen allele CA397328051.

ClinVar aggregate classification (germline): Uncertain significance. Review status: criteria provided, multiple submitters, no conflicts (2 of 4 stars). 2 submissions from 2 submitters: Uncertain significance (2). Last evaluated 2024-11-16.

Submissions (2):

Labcorp Genetics (formerly Invitae), Labcorp
Classification: Uncertain significance. Last evaluated: 2024-11-16. Review status: criteria provided, single submitter. Criteria: Invitae Variant Classification Sherloc (09022015). Collection method: clinical testing. Allele origin: germline.
Comment: This sequence change replaces arginine, which is basic and polar, with glycine, which is neutral and non-polar, at codon 158 of the SLC25A11 protein (p.Arg158Gly). This variant is not present in population databases (gnomAD no frequency). This variant has not been reported in the literature in individuals affected with SLC25A11-related conditions. ClinVar contains an entry for this variant (Variation ID: 2328306). Experimental studies and prediction algorithms are not available or were not evaluated, and the functional significance of this variant is currently unknown. In summary, the available evidence is currently insufficient to determine the role of this variant in disease. Therefore, it has been classified as a Variant of Uncertain Significance.

Ambry Genetics
Classification: Uncertain significance. Last evaluated: 2022-11-19. Review status: criteria provided, single submitter. Criteria: Ambry Variant Classification Scheme 2023. Collection method: clinical testing. Allele origin: germline.